The following is an entry in ClinVar:

NM_004064.5(CDKN1B):c.409C>G (p.Pro137Ala)

Gene: CDKN1B (cyclin dependent kinase inhibitor 1B; plus strand). Cytogenetic location: 12p13.1.
Variant type: single nucleotide variant.
Coding change: c.409C>G on transcript NM_004064.5 (MANE Select); coding-DNA position 409, C replaced by G.
Protein change: p.Pro137Ala; replaces proline 137 with alanine.
Molecular consequence: missense variant.
Genome position (GRCh38, 1-based): chr12:12,718,248, C>G. VCF-style: chr12-12718248-C-G. GRCh37 (hg19) VCF-style: chr12-12871182-C-G.
Other names: c.409C>G (NM_004064.3); short protein forms P137A.
Identifiers: ClinVar variation 2142061 (VCV002142061.6), dbSNP rs752620765, ClinGen allele CA383970653.

ClinVar aggregate classification (germline): Conflicting classifications of pathogenicity. Review status: criteria provided, conflicting classifications (1 of 4 stars). 2 submissions from 2 submitters: Uncertain significance (1); Likely benign (1). Last evaluated 2025-11-18.

Conditions:
Hereditary cancer-predisposing syndrome. Also called: Tumor predisposition; Hereditary Cancer Syndrome; Hereditary neoplastic syndrome; Neoplastic Syndromes, Hereditary. Identifiers: Orphanet 140162, MedGen C0027672, MeSH D009386, MONDO:0015356.
Multiple endocrine neoplasia type 4. Also called: MULTIPLE ENDOCRINE NEOPLASIA, TYPE IV. Identifiers: Orphanet 276152, MedGen C1970712, MONDO:0012552, OMIM 610755.

Submissions (2):

Labcorp Genetics (formerly Invitae), Labcorp
Classification: Uncertain significance for Multiple endocrine neoplasia type 4. Last evaluated: 2025-11-18. Review status: criteria provided, single submitter. Criteria: Invitae Variant Classification Sherloc (09022015). Collection method: clinical testing. Allele origin: germline.
Comment: This sequence change replaces proline, which is neutral and non-polar, with alanine, which is neutral and non-polar, at codon 137 of the CDKN1B protein (p.Pro137Ala). This variant is present in population databases (no rsID available, gnomAD 0.003%). This variant has not been reported in the literature in individuals affected with CDKN1B-related conditions. ClinVar contains an entry for this variant (Variation ID: 2142061). An algorithm developed to predict the effect of missense changes on protein structure and function outputs the following: PolyPhen-2: "Benign". The alanine amino acid residue is found in multiple mammalian species, which suggests that this missense change does not adversely affect protein function. In summary, the available evidence is currently insufficient to determine the role of this variant in disease. Therefore, it has been classified as a Variant of Uncertain Significance.

Ambry Genetics
Classification: Likely benign for Hereditary cancer-predisposing syndrome. Last evaluated: 2023-01-19. Review status: criteria provided, single submitter. Criteria: Ambry Variant Classification Scheme 2023. Collection method: clinical testing. Allele origin: germline.